The following is an entry in ClinVar:

NM_001204.6(BMPR2):c.(?_-1)_(1128+1_1129-1)del

Genes: BMPR2 (bone morphogenetic protein receptor type 2; plus strand), LOC129935435 (ATAC-STARR-seq lymphoblastoid active region 17001; plus strand). Cytogenetic location: 2q33.1-33.2.
Variant type: Deletion.
Coding change: c.(?_-1)_(1128+1_1129-1)del on transcript NM_001204.6; a large deletion whose breakpoints are not mapped to the base.
Other names: c.1-?_1128+?del (NM_001204.6).
Identifiers: ClinVar variation 425674 (VCV000425674.1).

ClinVar aggregate classification (germline): Pathogenic (0 of 4 stars; one submission).

Conditions:
Pulmonary hypertension, primary, 1 (PPH1). Also called: Pulmonary hypertension, familial primary, 1, with or without HHT. Identifiers: Orphanet 422, MedGen C4552070, MONDO:0024533, OMIM 178600.

Submission:

Rare Disease Genomics Group, St George's University of London
Classification: Pathogenic for Primary pulmonary hypertension. Review status: no assertion criteria provided. Collection method: literature only. Allele origin: germline. Affected: yes.
Comment: Deletion of exons 1-8

Literature cited by the submitters: PubMed 19555857.